The following is an entry in ClinVar:

NM_003001.5(SDHC):c.497T>G (p.Leu166Arg)

Gene: SDHC (succinate dehydrogenase complex subunit C; plus strand). Cytogenetic location: 1q23.3.
Variant type: single nucleotide variant.
Coding change: c.497T>G on transcript NM_003001.5 (MANE Select); coding-DNA position 497, T replaced by G.
Protein change: p.Leu166Arg; replaces leucine 166 with arginine.
Molecular consequence: missense variant. On other transcripts: synonymous variant (3), non-coding transcript variant (1).
Genome position (GRCh38, 1-based): chr1:161,362,420, T>G. VCF-style: chr1-161362420-T-G. GRCh37 (hg19) VCF-style: chr1-161332210-T-G.
Other names: c.333T>G, p.Ala111= (NM_001035511.3); c.395T>G, p.Leu132Arg (NM_001035512.3); c.338T>G, p.Leu113Arg (NM_001035513.3); c.231T>G, p.Ala77= (NM_001278172.3); c.617T>G, p.Leu206Arg (NM_001407115.1); c.440T>G, p.Leu147Arg (NM_001407116.1); c.434T>G, p.Leu145Arg (NM_001407117.1); c.389T>G, p.Leu130Arg (NM_001407118.1); and 2 more; short protein forms L113R, L132R, L166R, L145R, L130R, L129R, L206R, L147R.
Identifiers: ClinVar variation 665216 (VCV000665216.11), dbSNP rs1571899223, ClinGen allele CA343457976.

ClinVar aggregate classification (germline): Conflicting classifications of pathogenicity. Review status: criteria provided, conflicting classifications (1 of 4 stars). 2 submissions from 2 submitters: Likely pathogenic (1); Uncertain significance (1). Last evaluated 2026-06-24.

Conditions:
Pheochromocytoma/paraganglioma syndrome 3. Also called: SDHC-Related Hereditary Paraganglioma-Pheochromocytoma Syndrome (Paragangliomas 3); GLOMUS TUMORS, FAMILIAL, 3; SDHC-Related Hereditary Paraganglioma-Pheochromocytoma Syndrome; Paragangliomas 3. Identifiers: Orphanet 29072, MedGen C1854336, MONDO:0011544, OMIM 605373.
Gastrointestinal stromal tumor. Also called: Gastrointestinal stromal tumor, somatic; Gastrointestinal stroma tumor. Identifiers: Orphanet 44890, MedGen C0238198, MeSH D046152, MONDO:0011719, OMIM 606764, HP:0100723.
Hereditary cancer-predisposing syndrome. Also called: Neoplastic Syndromes, Hereditary; Hereditary Cancer Syndrome; Hereditary neoplastic syndrome; Tumor predisposition. Identifiers: Orphanet 140162, MedGen C0027672, MeSH D009386, MONDO:0015356.

Submissions (2):

Ambry Genetics
Classification: Likely pathogenic for Hereditary cancer-predisposing syndrome. Last evaluated: 2026-06-24. Review status: criteria provided, single submitter. Criteria: Ambry Variant Classification Scheme 2023. Collection method: clinical testing. Allele origin: germline.
Comment: The p.L166R variant (also known as c.497T>G), located in coding exon 6 of the SDHC gene, results from a T to G substitution at nucleotide position 497. The leucine at codon 166 is replaced by arginine, an amino acid with dissimilar properties. This variant was reported in individual(s) with features consistent with SDHC-related hereditary pheochromocytoma-paraganglioma (Shi C et al. J Endocr Soc, 2023 Aug;7:bvad093; Ambry internal data). This amino acid position is highly conserved in available vertebrate species. In addition, this alteration is predicted to be deleterious by in silico analysis. This variant is considered to be rare based on population cohorts in the Genome Aggregation Database (gnomAD). Based on the majority of available evidence to date, this variant is likely to be pathogenic.

Labcorp Genetics (formerly Invitae), Labcorp
Classification: Uncertain significance for Pheochromocytoma/paraganglioma syndrome 3; Gastrointestinal stromal tumor. Last evaluated: 2025-03-20. Review status: criteria provided, single submitter. Criteria: Invitae Variant Classification Sherloc (09022015). Collection method: clinical testing. Allele origin: germline.
Comment: This sequence change replaces leucine, which is neutral and non-polar, with arginine, which is basic and polar, at codon 166 of the SDHC protein (p.Leu166Arg). This variant is not present in population databases (gnomAD no frequency). This missense change has been observed in individual(s) with paraganglioma-pheochromocytoma syndromes and/or SDHC-related conditions (PMID: 21520333, 37873498). ClinVar contains an entry for this variant (Variation ID: 665216). Invitae Evidence Modeling of protein sequence and biophysical properties (such as structural, functional, and spatial information, amino acid conservation, physicochemical variation, residue mobility, and thermodynamic stability) indicates that this missense variant is expected to disrupt SDHC protein function with a positive predictive value of 95%. This variant disrupts the p.Leu166 amino acid residue in SDHC. Other variant(s) that disrupt this residue have been observed in individuals with SDHC-related conditions (PMID: 32688340), which suggests that this may be a clinically significant amino acid residue. In summary, the available evidence is currently insufficient to determine the role of this variant in disease. Therefore, it has been classified as a Variant of Uncertain Significance.

Literature cited by the submitters: PubMed 37873498 (cited by Ambry Genetics and Labcorp Genetics (formerly Invitae), Labcorp); PubMed 21520333 (cited by Labcorp Genetics (formerly Invitae), Labcorp); PubMed 32688340 (cited by Labcorp Genetics (formerly Invitae), Labcorp).